The following is an entry in ClinVar:

ClinVar aggregate classification (germline): Benign/Likely benign. Review status: criteria provided, multiple submitters, no conflicts (2 of 4 stars). 4 submissions from 4 submitters: Benign (1); Likely benign (3). Last evaluated 2025-07-21.

Conditions:
Hereditary cancer-predisposing syndrome. Also called: Neoplastic Syndromes, Hereditary; Hereditary Cancer Syndrome; Hereditary neoplastic syndrome; Tumor predisposition. Identifiers: Orphanet 140162, MedGen C0027672, MeSH D009386, MONDO:0015356.
Hereditary diffuse gastric adenocarcinoma (HDGC). Also called: DIFFUSE GASTRIC AND LOBULAR BREAST CANCER SYNDROME. Identifiers: Orphanet 26106, MedGen C1708349, MONDO:0007648, OMIM 137215.

Allele frequency attached by ClinVar (database versions not stated): gnomAD exomes below 0.00001.
gnomAD v4.1: 2 of 1,614,154 alleles (0.00012%); highest among the groups gnomAD compares: East Asian, 0.0022%; no homozygotes.

Submissions (4):

Labcorp Genetics (formerly Invitae), Labcorp
Classification: Likely benign for Hereditary diffuse gastric adenocarcinoma. Last evaluated: 2025-07-21. Review status: criteria provided, single submitter. Criteria: Invitae Variant Classification Sherloc (09022015). Collection method: clinical testing. Allele origin: germline.

Color Diagnostics, LLC DBA Color Health
Classification: Likely benign for Hereditary cancer-predisposing syndrome. Last evaluated: 2025-02-02. Review status: criteria provided, single submitter. Criteria: ACMG Guidelines, 2015. Collection method: clinical testing. Allele origin: germline.

Myriad Genetics, Inc.
Classification: Benign for Hereditary diffuse gastric adenocarcinoma. Last evaluated: 2024-09-12. Review status: criteria provided, single submitter. Criteria: Myriad Autosomal Dominant, Autosomal Recessive and X-Linked Classification Criteria (2023). Collection method: clinical testing. Allele origin: unknown.
Comment: This variant is considered benign. This variant is a silent/synonymous amino acid change and it is not expected to impact splicing.

Ambry Genetics
Classification: Likely benign for Hereditary cancer-predisposing syndrome. Last evaluated: 2024-06-03. Review status: criteria provided, single submitter. Criteria: Ambry Variant Classification Scheme 2023. Collection method: clinical testing. Allele origin: germline.

NM_004360.5(CDH1):c.231G>T (p.Val77=)

Gene: CDH1 (cadherin 1; plus strand). Cytogenetic location: 16q22.1.
Variant type: single nucleotide variant.
Coding change: c.231G>T on transcript NM_004360.5 (MANE Select); coding-DNA position 231, G replaced by T.
Protein change: p.Val77=; no amino-acid change (valine 77 retained).
Molecular consequence: synonymous variant. On other transcripts: 5 prime UTR variant (2).
Genome position (GRCh38, 1-based): chr16:68,801,737, G>T. VCF-style: chr16-68801737-G-T. GRCh37 (hg19) VCF-style: chr16-68835640-G-T.
Other names: c.231G>T, p.Val77= (NM_001317184.2); c.-1385G>T (NM_001317185.2); c.-1589G>T (NM_001317186.2); c.231G>T (NM_004360.3).
Identifiers: ClinVar variation 1560440 (VCV001560440.11), dbSNP rs1446769308, ClinGen allele CA496152627.
Genomic context (GRCh38, chr16:68,801,737, plus strand): 5'-TGAAGATTGCACCGGTCGACAAAGGACAGCCTATTTTTCCCTCGACACCCGATTCAAAGT[G>T]GGCACAGATGGTGTGATTACAGTCAAAAGGCCTCTACGGTTTCATAACCCACAGATCCAT-3'
Protein context (NP_004351.1, residues 67-87): AYFSLDTRFK[Val77=]GTDGVITVKR